The following is an entry in ClinVar:

ClinVar aggregate classification (germline): Uncertain significance (1 of 4 stars; one submission).

Conditions:
Transcobalamin II deficiency (TCN2D). Also called: Transcolabamin II deficiency; TC II DEFICIENCY; TCN2 DEFICIENCY. Identifiers: Orphanet 859, MedGen C0342701, MONDO:0010149, OMIM 275350.

Allele frequency attached by ClinVar (database versions not stated): gnomAD exomes below 0.00001; TOPMed 0.00001.
gnomAD v4.1: 2 of 1,614,202 alleles (0.00012%); highest among the groups gnomAD compares: Admixed American, 0.0017%; no homozygotes.

Submission:

Labcorp Genetics (formerly Invitae), Labcorp
Classification: Uncertain significance for Transcobalamin II deficiency. Last evaluated: 2022-09-13. Review status: criteria provided, single submitter. Criteria: Invitae Variant Classification Sherloc (09022015). Collection method: clinical testing. Allele origin: germline.
Comment: This sequence change replaces histidine, which is basic and polar, with arginine, which is basic and polar, at codon 239 of the TCN2 protein (p.His239Arg). This variant is present in population databases (no rsID available, gnomAD 0.003%). This variant has not been reported in the literature in individuals affected with TCN2-related conditions. ClinVar contains an entry for this variant (Variation ID: 1359288). Advanced modeling of protein sequence and biophysical properties (such as structural, functional, and spatial information, amino acid conservation, physicochemical variation, residue mobility, and thermodynamic stability) performed at Invitae indicates that this missense variant is expected to disrupt TCN2 protein function. In summary, the available evidence is currently insufficient to determine the role of this variant in disease. Therefore, it has been classified as a Variant of Uncertain Significance.

NM_000355.4(TCN2):c.716A>G (p.His239Arg)

Gene: TCN2 (transcobalamin 2; plus strand). Cytogenetic location: 22q12.2.
Variant type: single nucleotide variant.
Coding change: c.716A>G on transcript NM_000355.4 (MANE Select); coding-DNA position 716, A replaced by G.
Protein change: p.His239Arg; replaces histidine 239 with arginine.
Molecular consequence: missense variant.
Genome position (GRCh38, 1-based): chr22:30,615,436, A>G. VCF-style: chr22-30615436-A-G. GRCh37 (hg19) VCF-style: chr22-31011423-A-G.
Other names: c.635A>G, p.His212Arg (NM_001184726.2); short protein forms H212R, H239R.
Identifiers: ClinVar variation 1359288 (VCV001359288.5), dbSNP rs1338313632, ClinGen allele CA411212696.
Genomic context (GRCh38, chr22:30,615,436, plus strand): 5'-TCACCATGGCCATCAGAACAGTGCGAGAGGAGATCTTGAAGGCCCAGACCCCCGAGGGCC[A>G]CTTTGGGAATGTCTACAGCACCCCATTGGCATTACAGGTGGGAAAGAGACCCTGGAGCCA-3'
Protein context (NP_000346.2, residues 229-249): EILKAQTPEG[His239Arg]FGNVYSTPLA